The following is an entry in ClinVar:

ClinVar aggregate classification (germline): Uncertain significance (1 of 4 stars; one submission).

Conditions:
Left ventricular noncompaction 1 (LVNC1). Also called: LEFT VENTRICULAR NONCOMPACTION 1 WITH OR WITHOUT CONGENITAL HEART DEFECTS. Identifiers: Orphanet 54260, MedGen C1858725, MONDO:0011403, OMIM 604169.

Submission:

Labcorp Genetics (formerly Invitae), Labcorp
Classification: Uncertain significance for Left ventricular noncompaction 1. Last evaluated: 2025-11-03. Review status: criteria provided, single submitter. Criteria: Invitae Variant Classification Sherloc (09022015). Collection method: clinical testing. Allele origin: germline.
Comment: This sequence change replaces threonine, which is neutral and polar, with alanine, which is neutral and non-polar, at codon 343 of the DTNA protein (p.Thr343Ala). This variant is not present in population databases (gnomAD no frequency). This variant has not been reported in the literature in individuals affected with DTNA-related conditions. ClinVar contains an entry for this variant (Variation ID: 3723660). Invitae Evidence Modeling of protein sequence and biophysical properties (such as structural, functional, and spatial information, amino acid conservation, physicochemical variation, residue mobility, and thermodynamic stability) indicates that this missense variant is not expected to disrupt DTNA protein function with a negative predictive value of 80%. In summary, the available evidence is currently insufficient to determine the role of this variant in disease. Therefore, it has been classified as a Variant of Uncertain Significance.

NM_001386795.1(DTNA):c.1018A>G (p.Thr340Ala)

Gene: DTNA (dystrobrevin alpha; plus strand). Cytogenetic location: 18q12.1.
Variant type: single nucleotide variant.
Coding change: c.1018A>G on transcript NM_001386795.1 (MANE Select); coding-DNA position 1018, A replaced by G.
Protein change: p.Thr340Ala; replaces threonine 340 with alanine.
Molecular consequence: missense variant. On other transcripts: intron variant (1).
Genome position (GRCh38, 1-based): chr18:34,827,609, A>G. VCF-style: chr18-34827609-A-G. GRCh37 (hg19) VCF-style: chr18-32407573-A-G.
Other names: c.1018A>G, p.Thr340Ala (NM_001128175.2, NM_001198938.2, NM_001198939.2 and 26 more transcripts); c.64A>G, p.Thr22Ala (NM_001198942.1, NM_001198944.1, NM_032980.4 and 1 more transcripts); c.268A>G, p.Thr90Ala (NM_001198943.1); c.1027A>G, p.Thr343Ala (NM_001386761.1, NM_001386762.1, NM_001390.5 and 5 more transcripts); c.603+15496A>G (NM_001198945.2); short protein forms T22A, T343A, T90A, T340A.
Identifiers: ClinVar variation 3723660 (VCV003723660.2).
Genomic context (GRCh38, chr18:34,827,609, plus strand): 5'-TTTTATTTGTTTTAACTTTCCATTCACCCTGTGTTTTGTTTTAGGCCTCCCAGACCTGTA[A>G]CCAGCATGAACGACACCCTGTTCTCCCACTCTGTTCCCTCCTCAGGAAGTCCTTTTATTA-3'
Protein context (NP_001373724.1, residues 330-350): LAHIVPPRPV[Thr340Ala]SMNDTLFSHS